The following is an entry in ClinVar:

NM_000202.8(IDS):c.443A>C (p.Asp148Ala)

Genes: IDS (iduronate 2-sulfatase; minus strand), LOC106050102 (IDS recombination region; plus strand). Cytogenetic location: Xq28.
Variant type: single nucleotide variant.
Coding change: c.443A>C on transcript NM_000202.8 (MANE Select); coding-DNA position 443, A replaced by C.
Protein change: p.Asp148Ala; replaces aspartic acid 148 with alanine.
Molecular consequence: missense variant. On other transcripts: non-coding transcript variant (1).
Genome position (GRCh38, 1-based): chrX:149,501,013, T>G on the plus strand (A>C on the coding strand, the complement: IDS is on the minus strand). VCF-style: chrX-149501013-T-G. GRCh37 (hg19) VCF-style: chrX-148582544-T-G.
Other names: c.173A>C, p.Asp58Ala (NM_001166550.4); c.443A>C, p.Asp148Ala (NM_006123.5); short protein forms D148A, D58A.
Identifiers: ClinVar variation 3255731 (VCV003255731.2).

ClinVar aggregate classification (germline): Pathogenic (1 of 4 stars; one submission).

Conditions:
Mucopolysaccharidosis, MPS-II (MPS2). Also called: Hunter Syndrome; IDURONATE 2-SULFATASE DEFICIENCY; Mucopolysaccharidosis Type II; Mucopolysaccharidosis type 2; Attenuated MPS (subtype; formerly known as mild MPS II); Severe MPS II. Identifiers: Orphanet 580, Orphanet 79388, MedGen C0026705, MONDO:0010674, OMIM 309900.

Submission:

Laboratory of Diagnosis and Therapy of Lysosomal Disorders, University of Padova
Classification: Pathogenic for Mucopolysaccharidosis, MPS-II. Last evaluated: 2024-06-07. Review status: criteria provided, single submitter. Criteria: ACMG Guidelines, 2015. Collection method: literature only. Allele origin: germline. Affected: yes. Observed: 1 variant allele.
Comment: Absent from controls (or at low frequency) in gnomAD database (PM2_Moderate), Missense change at the same amino acid residue as a pathogenic variant (PM5_Moderate), Missense variant in a gene with a low rate of benign missense variation (PP2_Supporting), Multiple lines of computational evidence support a deleterious effect (PP3_Supporting), Patient’s phenotype or family history highly specific for the disease (PP4_Strong)

Classification method: ACMG Guidelines [PMID:25741868] with modifications

Literature cited by the submitters: PubMed 36945845.